The following is an entry in ClinVar:

ClinVar aggregate classification (germline): Uncertain significance (1 of 4 stars; one submission).

Conditions:
Joubert syndrome 23 (JBTS23). Identifiers: Orphanet 475, MedGen C4084822, MONDO:0014664, OMIM 616490.

Allele frequency attached by ClinVar (database versions not stated): gnomAD exomes 0.00001.
gnomAD v4.1: 3 of 1,603,236 alleles (0.00019%); highest among the groups gnomAD compares: Middle Eastern, 0.033%; no homozygotes.

Submission:

Baylor Genetics
Classification: Uncertain significance for Joubert syndrome 23. Last evaluated: 2020-01-17. Review status: criteria provided, single submitter. Criteria: ACMG Guidelines, 2015. Collection method: clinical testing. Allele origin: unknown. Affected: yes.
Comment: This variant was determined to be of uncertain significance according to ACMG Guidelines, 2015 [PMID:25741868].

NM_001329943.3(KIAA0586):c.1277A>G (p.Glu426Gly)

Gene: KIAA0586 (KIAA0586; plus strand). Cytogenetic location: 14q23.1.
Variant type: single nucleotide variant.
Coding change: c.1277A>G on transcript NM_001329943.3 (MANE Select); coding-DNA position 1277, A replaced by G.
Protein change: p.Glu426Gly; replaces glutamic acid 426 with glycine.
Molecular consequence: missense variant.
Genome position (GRCh38, 1-based): chr14:58,456,725, A>G. VCF-style: chr14-58456725-A-G. GRCh37 (hg19) VCF-style: chr14-58923443-A-G.
Other names: c.1436A>G, p.Glu479Gly (NM_001244189.2); c.1232A>G, p.Glu411Gly (NM_001244190.2); c.1022A>G, p.Glu341Gly (NM_001244191.2, NM_001329945.2, NM_001364700.1 and 1 more transcripts); c.1145A>G, p.Glu382Gly (NM_001244192.2); c.857A>G, p.Glu286Gly (NM_001244193.2); c.1277A>G, p.Glu426Gly (NM_001329944.2, NM_001329946.2, NM_001329947.2 and 1 more transcripts); short protein forms E426G, E286G, E411G, E341G, E382G, E479G.
Identifiers: ClinVar variation 1031250 (VCV001031250.1), dbSNP rs867768844, ClinGen allele CA261623406.